The following is an entry in ClinVar:

ClinVar aggregate classification (germline): Conflicting classifications of pathogenicity. Review status: criteria provided, conflicting classifications (1 of 4 stars). 2 submissions from 2 submitters: Likely pathogenic (1); Uncertain significance (1). Last evaluated 2024-01-18.

Conditions:
Autosomal recessive nonsyndromic hearing loss 3. Also called: NEUROSENSORY NONSYNDROMIC RECESSIVE DEAFNESS 3. Identifiers: Orphanet 90636, MedGen C1838263, MONDO:0010860, OMIM 600316.

Allele frequency attached by ClinVar (database versions not stated): gnomAD 0.00005; TOPMed 0.00005; ESP Exome Variant Server 0.00008; 1000 Genomes Project 30x 0.00031; 1000 Genomes Project 0.00040.
gnomAD v4.1: 14 of 1,613,748 alleles (0.00087%); highest among the groups gnomAD compares: African/African-American, 0.016%; no homozygotes.

Submissions (2):

Labcorp Genetics (formerly Invitae), Labcorp
Classification: Uncertain significance. Last evaluated: 2024-01-18. Review status: criteria provided, single submitter. Criteria: Invitae Variant Classification Sherloc (09022015). Collection method: clinical testing. Allele origin: germline.
Comment: This sequence change falls in intron 64 of the MYO15A gene. It does not directly change the encoded amino acid sequence of the MYO15A protein. This variant is present in population databases (rs377392348, gnomAD 0.02%). This variant has been observed in individual(s) with deafness (PMID: 36633841). ClinVar contains an entry for this variant (Variation ID: 2445659). Algorithms developed to predict the effect of sequence changes on RNA splicing suggest that this variant may disrupt the consensus splice site. In summary, the available evidence is currently insufficient to determine the role of this variant in disease. Therefore, it has been classified as a Variant of Uncertain Significance.

King Laboratory, University of Washington
Classification: Likely pathogenic for Autosomal recessive nonsyndromic hearing loss 3. Last evaluated: 2023-02-28. Review status: criteria provided, single submitter. Criteria: Li et al. (Genet Med. 2022). Collection method: research. Allele origin: unknown. Affected: yes.
Comment: This variant occurred in compound heterozygosity with a known pathogenic MYO15A splicing variant in a patient with bilateral sensorineural hearing loss of onset <18 years, in a study of pediatric hearing loss conducted by the King Laboratory (Carlson RJ et al. JAMA-OtoHNS 2023). This patient’s family has no other history of hearing loss. This variant is a single base pair substitution that is predicted to alter splicing. At the splice acceptor region of MYO15A exon 65, the sequence change is ctctcctcctactcccag|GAA > ctcgcctcctactcccag|GAA, NNSPLICE is 0.83 and 0.73 and MaxEnt is 10.37 and 8.95 for reference and mutant sequences, respectively. A competing cryptic splice acceptor is predicted 31bp upstream of the canonical splice with sequence gactatcctcgcccacag|GCC, NNSPLICE 0.83 and MaxEnt 7.93. Consequences of altered splicing would be (a) skipping of MYO15A exon 65 resulting in an in frame 141bp message deletion and deletion of residues 3451 thru 3497 within the FERM domain; or (b) activation of a cryptic splice acceptor at chr17:18,077,063 resulting in a message insertion of 31bp and premature stop at codon 3527 (in last exon and therefore escaping nonsense-mediated decay). As of January 2023, this variant has not been reported to ClinVar and is not found on gnomAD. Based on compound heterozygosity with a loss-of-function variant, the prediction that this variant leads to a truncated protein, and goodness of fit of genotype to phenotype, we conclude that this variant is likely pathogenic.

Literature cited by the submitters: PubMed 36633841 (cited by Labcorp Genetics (formerly Invitae), Labcorp and King Laboratory, University of Washington).

NM_016239.4(MYO15A):c.10351-15T>G

Gene: MYO15A (myosin XVA; plus strand). Cytogenetic location: 17p11.2.
Variant type: single nucleotide variant.
Coding change: c.10351-15T>G on transcript NM_016239.4 (MANE Select); 15 bases into the intron before coding-DNA position 10351, T replaced by G.
Molecular consequence: intron variant.
Genome position (GRCh38, 1-based): chr17:18,173,766, T>G. VCF-style: chr17-18173766-T-G. GRCh37 (hg19) VCF-style: chr17-18077080-T-G.
Identifiers: ClinVar variation 2445659 (VCV002445659.4), dbSNP rs377392348, ClinGen allele CA8425915.